The following is an entry in ClinVar:

NM_000383.4(AIRE):c.122A>G (p.Asp41Gly)

Gene: AIRE (autoimmune regulator; plus strand). Cytogenetic location: 21q22.3.
Variant type: single nucleotide variant.
Coding change: c.122A>G on transcript NM_000383.4 (MANE Select); coding-DNA position 122, A replaced by G.
Protein change: p.Asp41Gly; replaces aspartic acid 41 with glycine.
Molecular consequence: missense variant.
Genome position (GRCh38, 1-based): chr21:44,286,128, A>G. VCF-style: chr21-44286128-A-G. GRCh37 (hg19) VCF-style: chr21-45706011-A-G.
Other names: short protein forms D41G.
Identifiers: ClinVar variation 2160441 (VCV002160441.3), dbSNP rs1456640739, ClinGen allele CA410423154.

ClinVar aggregate classification (germline): Uncertain significance (1 of 4 stars; one submission).

Conditions:
Polyglandular autoimmune syndrome, type 1 (APS1). Also called: HYPOADRENOCORTICISM WITH HYPOPARATHYROIDISM AND SUPERFICIAL MONILIASIS; Whitaker syndrome; Autoimmune polyendocrinopathy syndrome, type I; Autoimmune polyendocrinopathy syndrome , type I, with or without reversible metaphyseal dysplasia; AUTOIMMUNE POLYENDOCRINE SYNDROME, TYPE I, WITH OR WITHOUT REVERSIBLE METAPHYSEAL DYSPLASIA; Autoimmune polyendocrine syndrome type 1. Identifiers: Orphanet 3453, MedGen C0085859, MONDO:0009411, OMIM 240300.

Allele frequency attached by ClinVar (database versions not stated): TOPMed below 0.00001; gnomAD exomes 0.00001.
gnomAD v4.1: 8 of 1,547,092 alleles (0.00052%); highest among the groups gnomAD compares: Middle Eastern, 0.017%; no homozygotes.

Submission:

Labcorp Genetics (formerly Invitae), Labcorp
Classification: Uncertain significance for Polyglandular autoimmune syndrome, type 1. Last evaluated: 2025-06-04. Review status: criteria provided, single submitter. Criteria: Invitae Variant Classification Sherloc (09022015). Collection method: clinical testing. Allele origin: germline.
Comment: This sequence change replaces aspartic acid, which is acidic and polar, with glycine, which is neutral and non-polar, at codon 41 of the AIRE protein (p.Asp41Gly). This variant is not present in population databases (gnomAD no frequency). This variant has not been reported in the literature in individuals affected with AIRE-related conditions. ClinVar contains an entry for this variant (Variation ID: 2160441). Invitae Evidence Modeling of protein sequence and biophysical properties (such as structural, functional, and spatial information, amino acid conservation, physicochemical variation, residue mobility, and thermodynamic stability) has been performed for this missense variant. However, the output from this modeling did not meet the statistical confidence thresholds required to predict the impact of this variant on AIRE protein function. In summary, the available evidence is currently insufficient to determine the role of this variant in disease. Therefore, it has been classified as a Variant of Uncertain Significance.